The following is an entry in ClinVar:

NM_000642.3(AGL):c.1936A>G (p.Ile646Val)

Gene: AGL (amylo-alpha-1,6-glucosidase and 4-alpha-glucanotransferase; plus strand). Cytogenetic location: 1p21.2.
Variant type: single nucleotide variant.
Coding change: c.1936A>G on transcript NM_000642.3 (MANE Select); coding-DNA position 1936, A replaced by G.
Protein change: p.Ile646Val; replaces isoleucine 646 with valine.
Molecular consequence: missense variant.
Genome position (GRCh38, 1-based): chr1:99,881,112, A>G. VCF-style: chr1-99881112-A-G. GRCh37 (hg19) VCF-style: chr1-100346668-A-G.
Other names: c.1936A>G, p.Ile646Val (NM_000028.3, NM_000643.3, NM_000644.3 and 2 more transcripts); c.1888A>G, p.Ile630Val (NM_000646.3); c.1735A>G, p.Ile579Val (NM_001425327.1); c.1732A>G, p.Ile578Val (NM_001425328.1, NM_001425329.1); c.1558A>G, p.Ile520Val (NM_001425332.1); short protein forms I646V, I630V, I520V, I578V, I579V.
Identifiers: ClinVar variation 456462 (VCV000456462.8), dbSNP rs376666809, ClinGen allele CA966646.

ClinVar aggregate classification (germline): Uncertain significance. Review status: criteria provided, single submitter (1 of 4 stars). 2 submissions from 2 submitters: Uncertain significance (1). 1 of the submissions does not count toward it. Last evaluated 2022-08-05.

Conditions:
Glycogen storage disease type III (GSD3). Also called: FORBES DISEASE; Cori disease. Identifiers: Orphanet 366, MedGen C0017922, MONDO:0009291, OMIM 232400.

Allele frequency attached by ClinVar (database versions not stated): gnomAD 0.00003 and 0.00005; TOPMed 0.00006; ESP Exome Variant Server 0.00008; ExAC 0.00018.
gnomAD v4.1: 187 of 1,613,832 alleles (0.012%); highest among the groups gnomAD compares: South Asian, 0.069%; 1 homozygote.

Submissions (2):

Labcorp Genetics (formerly Invitae), Labcorp
Classification: Uncertain significance for Glycogen storage disease type III. Last evaluated: 2022-08-05. Review status: criteria provided, single submitter. Criteria: Invitae Variant Classification Sherloc (09022015). Collection method: clinical testing. Allele origin: germline.
Comment: This sequence change replaces isoleucine, which is neutral and non-polar, with valine, which is neutral and non-polar, at codon 646 of the AGL protein (p.Ile646Val). This variant is present in population databases (rs376666809, gnomAD 0.07%). This variant has not been reported in the literature in individuals affected with AGL-related conditions. ClinVar contains an entry for this variant (Variation ID: 456462). Algorithms developed to predict the effect of missense changes on protein structure and function output the following: SIFT: "Tolerated"; PolyPhen-2: "Benign"; Align-GVGD: "Class C0". The valine amino acid residue is found in multiple mammalian species, which suggests that this missense change does not adversely affect protein function. In summary, the available evidence is currently insufficient to determine the role of this variant in disease. Therefore, it has been classified as a Variant of Uncertain Significance.

Natera, Inc.
Classification: Uncertain significance for Glycogen storage disease type III. Last evaluated: 2019-10-28. Review status: no assertion criteria provided. Collection method: clinical testing. Allele origin: germline. Not counted in ClinVar's aggregate classification.